The following is an entry in ClinVar:

NM_007192.4(SUPT16H):c.3041G>A (p.Arg1014Gln)

Genes: SUPT16H (SPT16 homolog, facilitates chromatin remodeling subunit; minus strand), LOC126861887 (BRD4-independent group 4 enhancer GRCh37_chr14:21820143-21821342; plus strand). Cytogenetic location: 14q11.2.
Variant type: single nucleotide variant.
Coding change: c.3041G>A on transcript NM_007192.4 (MANE Select); coding-DNA position 3041, G replaced by A.
Protein change: p.Arg1014Gln; replaces arginine 1014 with glutamine.
Molecular consequence: missense variant.
Genome position (GRCh38, 1-based): chr14:21,352,776, C>T on the plus strand (G>A on the coding strand, the complement: SUPT16H is on the minus strand). VCF-style: chr14-21352776-C-T. GRCh37 (hg19) VCF-style: chr14-21820935-C-T.
Other names: short protein forms R1014Q.
Identifiers: ClinVar variation 5003077 (VCV005003077.1).

ClinVar aggregate classification (germline): Uncertain significance (1 of 4 stars; one submission).

Conditions:
Neurodevelopmental disorder with dysmorphic facies and thin corpus callosum. Identifiers: MedGen C5551361, MONDO:0859179, OMIM 619480.

gnomAD v4.1: 1 of 1,613,930 alleles (0.000062%); highest among the groups gnomAD compares: Non-Finnish European, 0.000085%; no homozygotes.

Submission:

OLLIN Analises Genomicas, OLLIN
Classification: Uncertain significance for Neurodevelopmental disorder with dysmorphic facies and thin corpus callosum. Last evaluated: 2026-08-06. Review status: criteria provided, single submitter. Criteria: ACMG Guidelines 2015 PMID 25741868. Collection method: clinical testing. Allele origin: germline.
Comment: This missense variant, located in exon 26 (of 26), has been observed in gnomAD with an allele frequency of 0.000062%, but has not been reported in ClinVar or identified in the literature. In silico analysis predicts that this variant has a tolerated effect. According to the currently available evidence, this variant has been classified as uncertain significance (PM2_P, BP4_S).